The following is an entry in ClinVar:

NM_004963.4(GUCY2C):c.1718T>C (p.Leu573Ser)

Gene: GUCY2C (guanylate cyclase 2C; minus strand). Cytogenetic location: 12p12.3.
Variant type: single nucleotide variant.
Coding change: c.1718T>C on transcript NM_004963.4 (MANE Select); coding-DNA position 1718, T replaced by C.
Protein change: p.Leu573Ser; replaces leucine 573 with serine.
Molecular consequence: missense variant.
Genome position (GRCh38, 1-based): chr12:14,645,308, A>G on the plus strand (T>C on the coding strand, the complement: GUCY2C is on the minus strand). VCF-style: chr12-14645308-A-G. GRCh37 (hg19) VCF-style: chr12-14798242-A-G.
Other names: short protein forms L573S.
Identifiers: ClinVar variation 4887012 (VCV004887012.1).

ClinVar aggregate classification (germline): Uncertain significance (1 of 4 stars; one submission).

Conditions:
Congenital diarrhea 6. Identifiers: Orphanet 314373, MedGen C3553270, MONDO:0013825, OMIM 614616.

Submission:

MVZ Medizinische Genetik Mainz
Classification: Uncertain significance for Congenital diarrhea 6. Last evaluated: 2026-08-10. Review status: criteria provided, single submitter. Criteria: UK Practice Guidelines For Variant Classification V4 01 2020. Collection method: clinical testing. Allele origin: germline. Inheritance: Autosomal dominant inheritance. Affected: yes. Observed: 1 variant allele.
Comment: ACMG Criteria: PP3_STR,PM2_SUP